The following is an entry in ClinVar:

ClinVar aggregate classification (germline): Uncertain significance (1 of 4 stars; one submission).

Conditions:
Ehlers-Danlos syndrome, musculocontractural type 1. Identifiers: MedGen CN295219, MONDO:0020681, OMIM 601776.

Submission:

Juno Genomics, Hangzhou Juno Genomics, Inc
Classification: Uncertain significance for Ehlers-Danlos syndrome, musculocontractural type 1. Review status: criteria provided, single submitter. Criteria: ACMG Guidelines, 2015. Collection method: clinical testing. Allele origin: germline.
Comment: Null variant in a gene where loss of function (LOF) is a known mechanism of disease.;Absent from controls (or at extremely low frequency if recessive) in Genome Aggregation Database.

NM_130468.4(CHST14):c.380G>A (p.Trp127Ter)

Gene: CHST14 (carbohydrate sulfotransferase 14; plus strand). Cytogenetic location: 15q15.1.
Variant type: single nucleotide variant.
Coding change: c.380G>A on transcript NM_130468.4 (MANE Select); coding-DNA position 380, G replaced by A.
Protein change: p.Trp127Ter; replaces tryptophan 127 with a stop codon.
Molecular consequence: nonsense.
Genome position (GRCh38, 1-based): chr15:40,471,593, G>A. VCF-style: chr15-40471593-G-A. GRCh37 (hg19) VCF-style: chr15-40763792-G-A.
Other names: short protein forms W127*.
Identifiers: ClinVar variation 5005393 (VCV005005393.2).